The following is an entry in ClinVar:

NM_016239.4(MYO15A):c.343_367dup (p.Arg123fs)

Gene: MYO15A (myosin XVA; plus strand). Cytogenetic location: 17p11.2.
Variant type: Duplication.
Coding change: c.343_367dup on transcript NM_016239.4 (MANE Select); coding-DNA positions 343 to 367, 25 bases duplicated (CGTGGCTACGGCCGCCTGCGGCCGC).
Protein change: p.Arg123fs; shifts the reading frame from arginine 123.
Molecular consequence: frameshift variant.
Genome position (GRCh38, 1-based): chr17:18,119,143-18,119,167, CGTGGCTACGGCCGCCTGCGGCCGC duplicated; duplicating any 25 consecutive bases within chr17:18,119,137-18,119,167 gives the same sequence; the c. name uses the placement nearest the transcript's 3' end. VCF-style (leftmost placement, unchanged base first): chr17-18119136-A-AGGCCGCCGTGGCTACGGCCGCCTGC. GRCh37 (hg19) VCF-style: chr17-18022450-A-AGGCCGCCGTGGCTACGGCCGCCTGC.
Other names: short protein forms R123fs.
Identifiers: ClinVar variation 2754828 (VCV002754828.3), dbSNP rs2545173475, ClinGen allele CA2697559444.

ClinVar aggregate classification (germline): Pathogenic (1 of 4 stars; one submission).

Submission:

Labcorp Genetics (formerly Invitae), Labcorp
Classification: Pathogenic. Last evaluated: 2023-08-24. Review status: criteria provided, single submitter. Criteria: Invitae Variant Classification Sherloc (09022015). Collection method: clinical testing. Allele origin: germline.
Comment: This variant is not present in population databases (gnomAD no frequency). This sequence change creates a premature translational stop signal (p.Arg123Profs*113) in the MYO15A gene. It is expected to result in an absent or disrupted protein product. Loss-of-function variants in MYO15A are known to be pathogenic (PMID: 17546645). This variant has not been reported in the literature in individuals affected with MYO15A-related conditions. For these reasons, this variant has been classified as Pathogenic.

Literature cited by the submitters: PubMed 17546645.